The following is an entry in ClinVar:

ClinVar aggregate classification (germline): Uncertain significance (1 of 4 stars; one submission).

Submission:

Labcorp Genetics (formerly Invitae), Labcorp
Classification: Uncertain significance. Last evaluated: 2021-06-24. Review status: criteria provided, single submitter. Criteria: Invitae Variant Classification Sherloc (09022015). Collection method: clinical testing. Allele origin: germline.
Comment: In summary, the available evidence is currently insufficient to determine the role of this variant in disease. Therefore, it has been classified as a Variant of Uncertain Significance. Algorithms developed to predict the effect of missense changes on protein structure and function are either unavailable or do not agree on the potential impact of this missense change (SIFT: "Deleterious"; PolyPhen-2: "Possibly Damaging"; Align-GVGD: "Class C0"). This variant has not been reported in the literature in individuals with LRP2-related conditions. This variant is not present in population databases (ExAC no frequency). This sequence change replaces asparagine with lysine at codon 1282 of the LRP2 protein (p.Asn1282Lys). The asparagine residue is highly conserved and there is a moderate physicochemical difference between asparagine and lysine.

NM_004525.3(LRP2):c.3846C>A (p.Asn1282Lys)

Gene: LRP2 (LDL receptor related protein 2; minus strand). Cytogenetic location: 2q31.1.
Variant type: single nucleotide variant.
Coding change: c.3846C>A on transcript NM_004525.3 (MANE Select); coding-DNA position 3846, C replaced by A.
Protein change: p.Asn1282Lys; replaces asparagine 1282 with lysine.
Molecular consequence: missense variant.
Genome position (GRCh38, 1-based): chr2:169,241,187, G>T on the plus strand (C>A on the coding strand, the complement: LRP2 is on the minus strand). VCF-style: chr2-169241187-G-T. GRCh37 (hg19) VCF-style: chr2-170097697-G-T.
Other names: short protein forms N1282K.
Identifiers: ClinVar variation 1501174 (VCV001501174.8), dbSNP rs2105383552, ClinGen allele CA349147782.
Genomic context (GRCh38, chr2:169,241,187, plus strand): 5'-CTCATCACTCATATCCCCGCAGTCATTGTCCCGATCACAGAGCCATGCCCTGTGGATGCA[G>T]TTTCCGTTGTCACAGTGGAAATATGATGAAGGGCAAGTCTTGGGGACACAGGCATTGTGC-3'
Protein context (NP_004516.2, residues 1272-1292): PSSYFHCDNG[Asn1282Lys]CIHRAWLCDR